The following is an entry in ClinVar:

ClinVar aggregate classification (germline): Uncertain significance. Review status: criteria provided, multiple submitters, no conflicts (2 of 4 stars). 2 submissions from 2 submitters: Uncertain significance (2). Last evaluated 2024-08-28.

Conditions:
Cardiovascular phenotype. Identifiers: MedGen CN230736.
Noonan syndrome 9 (NS9). Identifiers: Orphanet 648, MedGen C4225282, MONDO:0014691, OMIM 616559.

Allele frequency attached by ClinVar (database versions not stated): gnomAD exomes below 0.00001; TOPMed below 0.00001.
gnomAD v4.1: 2 of 1,613,658 alleles (0.00012%); highest among the groups gnomAD compares: African/African-American, 0.0027%; no homozygotes.

Submissions (2):

Labcorp Genetics (formerly Invitae), Labcorp
Classification: Uncertain significance for Noonan syndrome 9. Last evaluated: 2024-08-28. Review status: criteria provided, single submitter. Criteria: Invitae Variant Classification Sherloc (09022015). Collection method: clinical testing. Allele origin: germline.
Comment: This sequence change replaces proline, which is neutral and non-polar, with threonine, which is neutral and polar, at codon 1205 of the SOS2 protein (p.Pro1205Thr). This variant is not present in population databases (gnomAD no frequency). This variant has not been reported in the literature in individuals affected with SOS2-related conditions. ClinVar contains an entry for this variant (Variation ID: 1733255). Invitae Evidence Modeling of protein sequence and biophysical properties (such as structural, functional, and spatial information, amino acid conservation, physicochemical variation, residue mobility, and thermodynamic stability) indicates that this missense variant is not expected to disrupt SOS2 protein function with a negative predictive value of 95%. In summary, the available evidence is currently insufficient to determine the role of this variant in disease. Therefore, it has been classified as a Variant of Uncertain Significance.

Ambry Genetics
Classification: Uncertain significance for Cardiovascular phenotype. Last evaluated: 2022-03-17. Review status: criteria provided, single submitter. Criteria: Ambry Variant Classification Scheme 2023. Collection method: clinical testing. Allele origin: germline.
Comment: The p.P1205T variant (also known as c.3613C>A), located in coding exon 23 of the SOS2 gene, results from a C to A substitution at nucleotide position 3613. The proline at codon 1205 is replaced by threonine, an amino acid with highly similar properties. This amino acid position is conserved. In addition, the in silico prediction for this alteration is inconclusive. Since supporting evidence is limited at this time, the clinical significance of this alteration remains unclear.

NM_006939.4(SOS2):c.3613C>A (p.Pro1205Thr)

Gene: SOS2 (SOS Ras/Rho guanine nucleotide exchange factor 2; minus strand). Cytogenetic location: 14q21.3.
Variant type: single nucleotide variant.
Coding change: c.3613C>A on transcript NM_006939.4 (MANE Select); coding-DNA position 3613, C replaced by A.
Protein change: p.Pro1205Thr; replaces proline 1205 with threonine.
Molecular consequence: missense variant.
Genome position (GRCh38, 1-based): chr14:50,118,730, G>T on the plus strand (C>A on the coding strand, the complement: SOS2 is on the minus strand). VCF-style: chr14-50118730-G-T. GRCh37 (hg19) VCF-style: chr14-50585448-G-T.
Other names: c.3514C>A, p.Pro1172Thr (NM_001411020.1); short protein forms P1205T, P1172T.
Identifiers: ClinVar variation 1733255 (VCV001733255.5), dbSNP rs1408173955, ClinGen allele CA389638560.